The following is an entry in ClinVar:

ClinVar aggregate classification (germline): Uncertain significance (1 of 4 stars; one submission).

Allele frequency attached by ClinVar (database versions not stated): gnomAD 0.00002; TOPMed 0.00005; ESP Exome Variant Server 0.00015.

Submission:

Labcorp Genetics (formerly Invitae), Labcorp
Classification: Uncertain significance. Last evaluated: 2022-08-05. Review status: criteria provided, single submitter. Criteria: Invitae Variant Classification Sherloc (09022015). Collection method: clinical testing. Allele origin: germline.
Comment: This sequence change replaces proline, which is neutral and non-polar, with threonine, which is neutral and polar, at codon 231 of the IL6R protein (p.Pro231Thr). This variant is not present in population databases (gnomAD no frequency). This variant has not been reported in the literature in individuals affected with IL6R-related conditions. Algorithms developed to predict the effect of missense changes on protein structure and function are either unavailable or do not agree on the potential impact of this missense change (SIFT: "Deleterious"; PolyPhen-2: "Probably Damaging"; Align-GVGD: "Class C0"). In summary, the available evidence is currently insufficient to determine the role of this variant in disease. Therefore, it has been classified as a Variant of Uncertain Significance.

NM_000565.4(IL6R):c.691C>A (p.Pro231Thr)

Gene: IL6R (interleukin 6 receptor; plus strand). Cytogenetic location: 1q21.3.
Variant type: single nucleotide variant.
Coding change: c.691C>A on transcript NM_000565.4 (MANE Select); coding-DNA position 691, C replaced by A.
Protein change: p.Pro231Thr; replaces proline 231 with threonine.
Molecular consequence: missense variant.
Genome position (GRCh38, 1-based): chr1:154,435,040, C>A. VCF-style: chr1-154435040-C-A. GRCh37 (hg19) VCF-style: chr1-154407516-C-A.
Other names: c.691C>A, p.Pro231Thr (NM_001206866.2, NM_001382769.1, NM_001382770.1 and 4 more transcripts); c.331C>A, p.Pro111Thr (NM_001382774.1); short protein forms P231T, P111T.
Identifiers: ClinVar variation 2078710 (VCV002078710.1), dbSNP rs144409017, ClinGen allele CA30799027.